The following is an entry in ClinVar:

NM_001572.5(IRF7):c.400C>G (p.Pro134Ala)

Gene: IRF7 (interferon regulatory factor 7; minus strand). Cytogenetic location: 11p15.5.
Variant type: single nucleotide variant.
Coding change: c.400C>G on transcript NM_001572.5 (MANE Select); coding-DNA position 400, C replaced by G.
Protein change: p.Pro134Ala; replaces proline 134 with alanine.
Molecular consequence: missense variant.
Genome position (GRCh38, 1-based): chr11:614,529, G>C on the plus strand (C>G on the coding strand, the complement: IRF7 is on the minus strand). VCF-style: chr11-614529-G-C. GRCh37 (hg19) VCF-style: chr11-614529-G-C.
Other names: c.400C>G, p.Pro134Ala (NM_004029.4); c.439C>G, p.Pro147Ala (NM_004031.4); short protein forms P134A, P147A.
Identifiers: ClinVar variation 843836 (VCV000843836.9), dbSNP rs1329963670, ClinGen allele CA378982700.
Genomic context (GRCh38, chr11:614,529, plus strand): 5'-AGGGTACCTGTGGTGGTGGGACAGCTGCGGGGGCCTCTGCCTCAGTCTGGTCCGTGCCTG[G>C]GCCTTCTGAGAGAGAATGGGGCAGGCGTTAGGCCCCGACACCAGAGTGAGAGATACAAGG-3'
Protein context (NP_001563.2, residues 124-144): LSRELCWREG[Pro134Ala]GTDQTEAEAP

ClinVar aggregate classification (germline): Uncertain significance (1 of 4 stars; one submission).

Conditions:
Immunodeficiency 39 (IMD39). Identifiers: Orphanet 574918, MedGen C4225358, MONDO:0014597, OMIM 616345.

Allele frequency attached by ClinVar (database versions not stated): TOPMed below 0.00001; gnomAD 0.00001.
gnomAD v4.1: 5 of 1,553,416 alleles (0.00032%); highest among the groups gnomAD compares: Non-Finnish European, 0.00044%; no homozygotes.

Submission:

Labcorp Genetics (formerly Invitae), Labcorp
Classification: Uncertain significance for Immunodeficiency 39. Last evaluated: 2022-02-20. Review status: criteria provided, single submitter. Criteria: Invitae Variant Classification Sherloc (09022015). Collection method: clinical testing. Allele origin: germline.
Comment: In summary, the available evidence is currently insufficient to determine the role of this variant in disease. Therefore, it has been classified as a Variant of Uncertain Significance. Algorithms developed to predict the effect of missense changes on protein structure and function output the following: SIFT: "Tolerated"; PolyPhen-2: "Benign"; Align-GVGD: "Class C0". The alanine amino acid residue is found in multiple mammalian species, which suggests that this missense change does not adversely affect protein function. ClinVar contains an entry for this variant (Variation ID: 843836). This variant has not been reported in the literature in individuals affected with IRF7-related conditions. This variant is not present in population databases (gnomAD no frequency). This sequence change replaces proline, which is neutral and non-polar, with alanine, which is neutral and non-polar, at codon 147 of the IRF7 protein (p.Pro147Ala).